The following is an entry in ClinVar:

ClinVar aggregate classification (germline): Uncertain significance (1 of 4 stars; one submission).

Conditions:
Cutis laxa, autosomal dominant 3 (ADCL3). Identifiers: Orphanet 90348, MedGen C4225268, MONDO:0014706, OMIM 616603.
Autosomal dominant spastic paraplegia type 9. Identifiers: MedGen C1832669, MONDO:0015091.
de Barsy syndrome. Also called: Cutis laxa-corneal clouding-oligophrenia syndrome. Identifiers: Orphanet 2962, MedGen C0268354, MONDO:0017569.

gnomAD v4.1: 3 of 1,566,962 alleles (0.00019%); highest among the groups gnomAD compares: Non-Finnish European, 0.00026%; no homozygotes.

Submission:

Labcorp Genetics (formerly Invitae), Labcorp
Classification: Uncertain significance for Autosomal dominant spastic paraplegia type 9; de Barsy syndrome; Cutis laxa, autosomal dominant 3. Last evaluated: 2025-02-13. Review status: criteria provided, single submitter. Criteria: Invitae Variant Classification Sherloc (09022015). Collection method: clinical testing. Allele origin: germline.
Comment: This sequence change replaces alanine, which is neutral and non-polar, with valine, which is neutral and non-polar, at codon 532 of the ALDH18A1 protein (p.Ala532Val). The frequency data for this variant in the population databases is considered unreliable, as metrics indicate poor data quality at this position in the gnomAD database. This variant has not been reported in the literature in individuals affected with ALDH18A1-related conditions. Invitae Evidence Modeling of protein sequence and biophysical properties (such as structural, functional, and spatial information, amino acid conservation, physicochemical variation, residue mobility, and thermodynamic stability) has been performed for this missense variant. However, the output from this modeling did not meet the statistical confidence thresholds required to predict the impact of this variant on ALDH18A1 protein function. In summary, the available evidence is currently insufficient to determine the role of this variant in disease. Therefore, it has been classified as a Variant of Uncertain Significance.

NM_002860.4(ALDH18A1):c.1595C>T (p.Ala532Val)

Gene: ALDH18A1 (aldehyde dehydrogenase 18 family member A1; minus strand). Cytogenetic location: 10q24.1.
Variant type: single nucleotide variant.
Coding change: c.1595C>T on transcript NM_002860.4 (MANE Select); coding-DNA position 1595, C replaced by T.
Protein change: p.Ala532Val; replaces alanine 532 with valine.
Molecular consequence: missense variant.
Genome position (GRCh38, 1-based): chr10:95,616,487, G>A on the plus strand (C>T on the coding strand, the complement: ALDH18A1 is on the minus strand). VCF-style: chr10-95616487-G-A. GRCh37 (hg19) VCF-style: chr10-97376244-G-A.
Other names: c.1589C>T, p.Ala530Val (NM_001017423.2, NM_001323415.2); c.1262C>T, p.Ala421Val (NM_001323412.2, NM_001323416.2); c.1595C>T, p.Ala532Val (NM_001323413.2, NM_001323414.2); c.1490C>T, p.Ala497Val (NM_001323417.2); c.1256C>T, p.Ala419Val (NM_001323418.2); c.959C>T, p.Ala320Val (NM_001323419.2); short protein forms A320V, A419V, A421V, A497V, A530V, A532V.
Identifiers: ClinVar variation 3760935 (VCV003760935.2).